The following is an entry in ClinVar:

NM_130837.3(OPA1):c.3G>A (p.Met1Ile)

Gene: OPA1 (OPA1 mitochondrial dynamin like GTPase; plus strand). Cytogenetic location: 3q29.
Variant type: single nucleotide variant.
Coding change: c.3G>A on transcript NM_130837.3 (MANE Select); coding-DNA position 3, G replaced by A.
Protein change: p.Met1Ile; changes the start codon (methionine 1).
Molecular consequence: missense variant, initiator codon variant. On other transcripts: 5 prime UTR variant (2).
Genome position (GRCh38, 1-based): chr3:193,593,380, G>A. VCF-style: chr3-193593380-G-A. GRCh37 (hg19) VCF-style: chr3-193311169-G-A.
Other names: c.-428G>A (NM_001354663.2, NM_001354664.2); c.3G>A, p.Met1Ile (NM_015560.3, NM_130831.3, NM_130832.3 and 4 more transcripts); short protein forms M1I.
Identifiers: ClinVar variation 1184499 (VCV001184499.6), dbSNP rs1724946838, ClinGen allele CA355785431.

ClinVar aggregate classification (germline): Pathogenic. Review status: criteria provided, single submitter (1 of 4 stars). 2 submissions from 2 submitters: Pathogenic (1). 1 of the submissions does not count toward it. Last evaluated 2024-01-05.

Conditions:
Optic atrophy with or without deafness, ophthalmoplegia, myopathy, ataxia, and neuropathy. Also called: OPTIC ATROPHY PLUS SYNDROME. Identifiers: MedGen C3276549, MONDO:0007429, OMIM 125250.

Submissions (2):

Labcorp Genetics (formerly Invitae), Labcorp
Classification: Pathogenic. Last evaluated: 2024-01-05. Review status: criteria provided, single submitter. Criteria: Invitae Variant Classification Sherloc (09022015). Collection method: clinical testing. Allele origin: germline.
Comment: This sequence change affects the initiator methionine of the OPA1 mRNA. The next in-frame methionine is located at codon 125. This variant is not present in population databases (gnomAD no frequency). Disruption of the initiator codon has been observed in individuals with autosomal dominant optic atrophy (PMID: 28125838, 31500643, 32141364, 34758253). ClinVar contains an entry for this variant (Variation ID: 1184499). For these reasons, this variant has been classified as Pathogenic.

Genomics England Pilot Project, Genomics England
Classification: Likely pathogenic for Optic atrophy with or without deafness, ophthalmoplegia, myopathy, ataxia, and neuropathy. Review status: no assertion criteria provided. Criteria: ACGS Guidelines, 2016. Collection method: clinical testing. Allele origin: germline. Affected: yes. Not counted in ClinVar's aggregate classification.

Literature cited by the submitters: PubMed 28125838 (cited by Labcorp Genetics (formerly Invitae), Labcorp); PubMed 31500643 (cited by Labcorp Genetics (formerly Invitae), Labcorp); PubMed 32141364 (cited by Labcorp Genetics (formerly Invitae), Labcorp); PubMed 34758253 (cited by Labcorp Genetics (formerly Invitae), Labcorp).